The following is an entry in ClinVar:

NM_006035.4(CDC42BPB):c.3811+347G>A

Genes: CDC42BPB (CDC42 binding protein kinase beta; minus strand), LOC126862066 (CDK7 strongly-dependent group 2 enhancer GRCh37_chr14:103411482-103412681; plus strand). Cytogenetic location: 14q32.32.
Variant type: single nucleotide variant.
Coding change: c.3811+347G>A on transcript NM_006035.4 (MANE Select); 347 bases into the intron after coding-DNA position 3811, G replaced by A.
Molecular consequence: intron variant.
Genome position (GRCh38, 1-based): chr14:102,945,315, C>T on the plus strand (G>A on the coding strand, the complement: CDC42BPB is on the minus strand). VCF-style: chr14-102945315-C-T. GRCh37 (hg19) VCF-style: chr14-103411652-C-T.
Other names: c.3733+347G>A (NM_001411054.1).
Identifiers: ClinVar variation 5040943 (VCV005040943.1).

ClinVar aggregate classification (germline): Likely benign (1 of 4 stars; one submission).

gnomAD v4.1: 692 of 469,202 alleles (0.15%); highest among the groups gnomAD compares: Non-Finnish European, 0.24%; 1 homozygote.

Submission:

CeGaT Center for Human Genetics Tuebingen
Classification: Likely benign. Last evaluated: 2026-09-01. Review status: criteria provided, single submitter. Criteria: CeGaT Center For Human Genetics Tuebingen Variant Classification Criteria Version 2. Collection method: clinical testing. Allele origin: germline. Affected: yes. Observed: 1 variant allele.
Comment: CDC42BPB: BS1